The following is an entry in ClinVar:

ClinVar aggregate classification (germline): Uncertain significance. Review status: criteria provided, multiple submitters, no conflicts (2 of 4 stars). 4 submissions from 4 submitters: Uncertain significance (3). 1 of the submissions does not count toward it. Last evaluated 2025-08-09.

Conditions:
Cardiomyopathy (CMYO). Also called: Cardiomyopathies. Identifiers: Orphanet 167848, MedGen C0878544, MONDO:0004994, HP:0001638. Inheritance: Various modes of inheritance.
Duchenne muscular dystrophy (DMD). Also called: MUSCULAR DYSTROPHY, PSEUDOHYPERTROPHIC PROGRESSIVE, DUCHENNE TYPE; Duchenne Muscular Dystrophy (DMD). Identifiers: Orphanet 98896, MedGen C0013264, MONDO:0010679, OMIM 310200.
Becker muscular dystrophy (BMD). Also called: MUSCULAR DYSTROPHY, PSEUDOHYPERTROPHIC PROGRESSIVE, BECKER TYPE; Becker Muscular Dystrophy (BMD). Identifiers: Orphanet 98895, MedGen C0917713, MONDO:0010311, OMIM 300376.
Dystrophin deficiency.
DMD-related disorder. Also called: DMD-related condition.

Submissions (4):

Labcorp Genetics (formerly Invitae), Labcorp
Classification: Uncertain significance for Duchenne muscular dystrophy. Last evaluated: 2025-08-09. Review status: criteria provided, single submitter. Criteria: Invitae Variant Classification Sherloc (09022015). Collection method: clinical testing. Allele origin: germline.
Comment: This sequence change replaces alanine, which is neutral and non-polar, with glutamic acid, which is acidic and polar, at codon 27 of the DMD protein (p.Ala27Glu). This variant is not present in population databases (gnomAD no frequency). This variant has not been reported in the literature in individuals affected with DMD-related conditions. ClinVar contains an entry for this variant (Variation ID: 651102). Invitae Evidence Modeling of protein sequence and biophysical properties (such as structural, functional, and spatial information, amino acid conservation, physicochemical variation, residue mobility, and thermodynamic stability) indicates that this missense variant is not expected to disrupt DMD protein function with a negative predictive value of 95%. In summary, the available evidence is currently insufficient to determine the role of this variant in disease. Therefore, it has been classified as a Variant of Uncertain Significance.

Revvity Omics, Revvity
Classification: Uncertain significance. Last evaluated: 2023-09-14. Review status: criteria provided, single submitter. Criteria: ACMG Guidelines, 2015. Collection method: clinical testing. Allele origin: germline.

PreventionGenetics, part of Exact Sciences
Classification: Uncertain significance for DMD-related condition. Last evaluated: 2023-09-08. Review status: criteria provided, single submitter. Criteria: ACMG Guidelines, 2015. Collection method: clinical testing. Allele origin: germline.
Comment: The DMD c.80C>A variant is predicted to result in the amino acid substitution p.Ala27Glu. To our knowledge, this variant has not been reported in the literature or in a large population database, indicating this variant is rare. At this time, the clinical significance of this variant is uncertain due to the absence of conclusive functional and genetic evidence.

Natera, Inc.
Classification: Uncertain significance for Becker muscular dystrophy; Cardiomyopathy; Duchenne muscular dystrophy; Dystrophin deficiency. Last evaluated: 2020-06-25. Review status: no assertion criteria provided. Collection method: clinical testing. Allele origin: germline. Not counted in ClinVar's aggregate classification.

NM_004006.3(DMD):c.80C>A (p.Ala27Glu)

Gene: DMD (dystrophin; minus strand). Cytogenetic location: Xp21.1.
Variant type: single nucleotide variant.
Coding change: c.80C>A on transcript NM_004006.3 (MANE Select); coding-DNA position 80, C replaced by A.
Protein change: p.Ala27Glu; replaces alanine 27 with glutamic acid.
Molecular consequence: missense variant. On other transcripts: 5 prime UTR variant (1).
Genome position (GRCh38, 1-based): chrX:33,020,152, G>T on the plus strand (C>A on the coding strand, the complement: DMD is on the minus strand). VCF-style: chrX-33020152-G-T. GRCh37 (hg19) VCF-style: chrX-33038269-G-T.
Other names: c.56C>A, p.Ala19Glu (NM_000109.4); c.68C>A, p.Ala23Glu (NM_004009.3); c.-290C>A (NM_004010.3); short protein forms A27E, A23E, A19E.
Identifiers: ClinVar variation 651102 (VCV000651102.14), dbSNP rs763407275, ClinGen allele CA412675241.